The following is an entry in ClinVar:

NM_000158.4(GBE1):c.169A>G (p.Lys57Glu)

Gene: GBE1 (1,4-alpha-glucan branching enzyme 1; minus strand). Cytogenetic location: 3p12.2.
Variant type: single nucleotide variant.
Coding change: c.169A>G on transcript NM_000158.4 (MANE Select); coding-DNA position 169, A replaced by G.
Protein change: p.Lys57Glu; replaces lysine 57 with glutamic acid.
Molecular consequence: missense variant.
Genome position (GRCh38, 1-based): chr3:81,705,588, T>C on the plus strand (A>G on the coding strand, the complement: GBE1 is on the minus strand). VCF-style: chr3-81705588-T-C. GRCh37 (hg19) VCF-style: chr3-81754739-T-C.
Other names: short protein forms K57E.
Identifiers: ClinVar variation 1370154 (VCV001370154.7), dbSNP rs772910188, ClinGen allele CA2500044.
Genomic context (GRCh38, chr3:81,705,588, plus strand): 5'-CAAATGATTCATAGCCTCTGGAAAACTTATCAATACCACCTTCATTTTCTCCAATGTTCT[T>C]CAAAATTTGGCTAAACTGCTTATACCTTTGAAGAAGTATGAAAGAAAATGAGTTAGAAAA-3'
Protein context (NP_000149.4, residues 47-67): RRYKQFSQIL[Lys57Glu]NIGENEGGID

ClinVar aggregate classification (germline): Uncertain significance (1 of 4 stars; one submission).

Conditions:
Glycogen storage disease, type IV (GSD4). Also called: AMYLOPECTINOSIS; ANDERSEN DISEASE; BRANCHER DEFICIENCY; CIRRHOSIS, FAMILIAL, WITH DEPOSITION OF ABNORMAL GLYCOGEN; GBE1 DEFICIENCY; GLYCOGEN BRANCHING ENZYME DEFICIENCY. Identifiers: Orphanet 367, MedGen C0017923, MONDO:0009292, OMIM 232500.
Glycogen storage disease IV, classic hepatic. Also called: GSD IV, CLASSIC HEPATIC. Identifiers: MedGen C1856301.

Allele frequency attached by ClinVar (database versions not stated): gnomAD exomes below 0.00001 and 0.00001; TOPMed below 0.00001.
gnomAD v4.1: 6 of 1,567,690 alleles (0.00038%); highest among the groups gnomAD compares: South Asian, 0.0012%; no homozygotes.

Submission:

Labcorp Genetics (formerly Invitae), Labcorp
Classification: Uncertain significance for Glycogen storage disease, type IV; Glycogen storage disease IV, classic hepatic. Last evaluated: 2021-07-07. Review status: criteria provided, single submitter. Criteria: Invitae Variant Classification Sherloc (09022015). Collection method: clinical testing. Allele origin: germline.
Comment: Advanced modeling of protein sequence and biophysical properties (such as structural, functional, and spatial information, amino acid conservation, physicochemical variation, residue mobility, and thermodynamic stability) performed at Invitae indicates that this missense variant is not expected to disrupt GBE1 protein function. This variant has not been reported in the literature in individuals with GBE1-related conditions. The frequency data for this variant in the population databases is considered unreliable, as metrics indicate poor data quality at this position in the ExAC database. This sequence change replaces lysine with glutamic acid at codon 57 of the GBE1 protein (p.Lys57Glu). The lysine residue is weakly conserved and there is a small physicochemical difference between lysine and glutamic acid. In summary, the available evidence is currently insufficient to determine the role of this variant in disease. Therefore, it has been classified as a Variant of Uncertain Significance.